The following is an entry in ClinVar:

ClinVar aggregate classification (germline): Conflicting classifications of pathogenicity. Review status: criteria provided, conflicting classifications (1 of 4 stars). 2 submissions from 2 submitters: Uncertain significance (1); Likely benign (1). Last evaluated 2024-09-12.

Conditions:
Charcot-Marie-Tooth disease axonal type 2O. Also called: Charcot-Marie-Tooth disease, axonal, type 20; CHARCOT-MARIE-TOOTH NEUROPATHY, AXONAL, TYPE 2O; CHARCOT-MARIE-TOOTH DISEASE, AXONAL, AUTOSOMAL DOMINANT, TYPE 2O; Charcot-Marie-Tooth Neuropathy Type 2O. Identifiers: Orphanet 284232, MedGen C3280220, MONDO:0013644, OMIM 614228.

Allele frequency attached by ClinVar (database versions not stated): TOPMed 0.00001.

Submissions (2):

GeneDx
Classification: Uncertain significance. Last evaluated: 2024-09-12. Review status: criteria provided, single submitter. Criteria: GeneDx Variant Classification Process June 2021. Collection method: clinical testing. Allele origin: germline. Affected: yes.
Comment: Not observed at significant frequency in large population cohorts (gnomAD); In silico analysis indicates that this variant does not alter splicing; Has not been previously published as pathogenic or benign to our knowledge

Labcorp Genetics (formerly Invitae), Labcorp
Classification: Likely benign for Charcot-Marie-Tooth disease axonal type 2O. Last evaluated: 2022-04-10. Review status: criteria provided, single submitter. Criteria: Invitae Variant Classification Sherloc (09022015). Collection method: clinical testing. Allele origin: germline.

NM_001376.5(DYNC1H1):c.6136C>A (p.Arg2046=)

Gene: DYNC1H1 (dynein cytoplasmic 1 heavy chain 1; plus strand). Cytogenetic location: 14q32.31.
Variant type: single nucleotide variant.
Coding change: c.6136C>A on transcript NM_001376.5 (MANE Select); coding-DNA position 6136, C replaced by A.
Protein change: p.Arg2046=; no amino-acid change (arginine 2046 retained).
Molecular consequence: synonymous variant.
Genome position (GRCh38, 1-based): chr14:102,010,001, C>A. VCF-style: chr14-102010001-C-A. GRCh37 (hg19) VCF-style: chr14-102476338-C-A.
Identifiers: ClinVar variation 1926012 (VCV001926012.6), dbSNP rs1400178483, ClinGen allele CA487970811.